The following is an entry in ClinVar:

ClinVar aggregate classification (germline): Uncertain significance (1 of 4 stars; one submission).

gnomAD v4.1: 1 of 1,614,084 alleles (0.000062%); highest among the groups gnomAD compares: Non-Finnish European, 0.000085%; no homozygotes.

Submission:

Labcorp Genetics (formerly Invitae), Labcorp
Classification: Uncertain significance. Last evaluated: 2025-03-03. Review status: criteria provided, single submitter. Criteria: Invitae Variant Classification Sherloc (09022015). Collection method: clinical testing. Allele origin: germline.
Comment: This sequence change replaces arginine, which is basic and polar, with proline, which is neutral and non-polar, at codon 300 of the EIF2B4 protein (p.Arg300Pro). This variant is not present in population databases (gnomAD no frequency). This variant has not been reported in the literature in individuals affected with EIF2B4-related conditions. ClinVar contains an entry for this variant (Variation ID: 2100703). An algorithm developed to predict the effect of missense changes on protein structure and function (PolyPhen-2) suggests that this variant is likely to be tolerated. In summary, the available evidence is currently insufficient to determine the role of this variant in disease. Therefore, it has been classified as a Variant of Uncertain Significance.

NM_001034116.2(EIF2B4):c.902G>C (p.Arg301Pro)

Genes: EIF2B4 (eukaryotic translation initiation factor 2B subunit delta; minus strand), GTF3C2-AS2 (GTF3C2 antisense RNA 2; plus strand). Cytogenetic location: 2p23.3.
Variant type: single nucleotide variant.
Coding change: c.902G>C on transcript NM_001034116.2 (MANE Select); coding-DNA position 902, G replaced by C.
Protein change: p.Arg301Pro; replaces arginine 301 with proline.
Molecular consequence: missense variant.
Genome position (GRCh38, 1-based): chr2:27,367,185, C>G on the plus strand (G>C on the coding strand, the complement: EIF2B4 is on the minus strand). VCF-style: chr2-27367185-C-G. GRCh37 (hg19) VCF-style: chr2-27590052-C-G.
Other names: c.965G>C, p.Arg322Pro (NM_001318965.2); c.857G>C, p.Arg286Pro (NM_001318966.2); c.809G>C, p.Arg270Pro (NM_001318967.2); c.317G>C, p.Arg106Pro (NM_001318968.2); c.284G>C, p.Arg95Pro (NM_001318969.2); c.899G>C, p.Arg300Pro (NM_015636.4); c.962G>C, p.Arg321Pro (NM_172195.4); short protein forms R301P, R321P, R270P, R300P, R106P, R286P, R322P, R95P.
Identifiers: ClinVar variation 2100703 (VCV002100703.4), dbSNP rs781536399, ClinGen allele CA346198698.
Genomic context (GRCh38, chr2:27,367,185, plus strand): 5'-CGTGAAATTGCCTGAGCTGCTAGCACAATCTTCTCTTGCACATACCGATCAATGGCTGCT[C>G]GAAGTTCTGACTTGGCCTAAATGGAGTAAAATCCTTAGTGAACAAGAAATGGACACTTTT-3'
Protein context (NP_001029288.1, residues 291-311): KREEEAKSEL[Arg301Pro]AAIDRYVQEK